The following is an entry in ClinVar:

NM_017780.4(CHD7):c.8389C>T (p.Pro2797Ser)

Gene: CHD7 (chromodomain helicase DNA binding protein 7; plus strand). Cytogenetic location: 8q12.2.
Variant type: single nucleotide variant.
Coding change: c.8389C>T on transcript NM_017780.4 (MANE Select); coding-DNA position 8389, C replaced by T.
Protein change: p.Pro2797Ser; replaces proline 2797 with serine.
Molecular consequence: missense variant.
Genome position (GRCh38, 1-based): chr8:60,865,328, C>T. VCF-style: chr8-60865328-C-T. GRCh37 (hg19) VCF-style: chr8-61777887-C-T.
Other names: c.2242C>T, p.Pro748Ser (NM_001316690.1); short protein forms P748S, P2797S.
Identifiers: ClinVar variation 696162 (VCV000696162.16), dbSNP rs769500488, ClinGen allele CA4761003.
Genomic context (GRCh38, chr8:60,865,328, plus strand): 5'-CCAGGACTGGCAACAGCTGCCACCGCCGGAGGCGATGCGAAGAACCCTGCTGCTGTGCTG[C>T]CCCTGATGCTGCCAGGAATGGCGGGCCTGCCCAACGTGTTTGGCTTGGGCGGGCTGTTGA-3'
Protein context (NP_060250.2, residues 2787-2807): GDAKNPAAVL[Pro2797Ser]LMLPGMAGLP

ClinVar aggregate classification (germline): Likely benign. Review status: criteria provided, multiple submitters, no conflicts (2 of 4 stars). 7 submissions from 7 submitters: Likely benign (7). Last evaluated 2026-04-01.

Conditions:
CHARGE syndrome (CHARGE). Also called: Coloboma, heart anomaly, choanal atresia, retardation, genital and ear anomalies; CHARGE association; Hall-Hittner syndrome; Hittner Hirsch Kreh syndrome; CHARGE ASSOCIATION--COLOBOMA, HEART ANOMALY, CHOANAL ATRESIA, RETARDATION, GENITAL AND EAR ANOMALIES. Identifiers: Orphanet 138, MedGen C0265354, MONDO:0008965.
CHD7-related disorder. Also called: CHD7-related condition.
Inborn genetic diseases. Identifiers: MedGen C0950123, MeSH D030342.
Hypogonadotropic hypogonadism 5 with or without anosmia (KAL5). Also called: HYPOGONADOTROPIC HYPOGONADISM 5 WITH ANOSMIA; HYPOGONADOTROPHIC HYPOGONADISM 5 WITHOUT ANOSMIA; CHD7-Related GnRH Deficiency (Kallmann Syndrome 5). Identifiers: Orphanet 478, MedGen C3552553, MONDO:0012880, OMIM 612370. Disease mechanism: loss of function.

Allele frequency attached by ClinVar (database versions not stated): gnomAD 0.00001; gnomAD exomes 0.00004 and 0.00017; TOPMed 0.00008; ExAC 0.00023.
gnomAD v4.1: 55 of 1,612,054 alleles (0.0034%); highest among the groups gnomAD compares: Admixed American, 0.087%; no homozygotes.

Submissions (7):

CeGaT Center for Human Genetics Tuebingen
Classification: Likely benign. Last evaluated: 2026-04-01. Review status: criteria provided, single submitter. Criteria: CeGaT Center For Human Genetics Tuebingen Variant Classification Criteria Version 2. Collection method: clinical testing. Allele origin: germline. Affected: yes. Observed: 1 variant allele.
Comment: CHD7: BS1

Labcorp Genetics (formerly Invitae), Labcorp
Classification: Likely benign for CHARGE syndrome. Last evaluated: 2025-10-04. Review status: criteria provided, single submitter. Criteria: Invitae Variant Classification Sherloc (09022015). Collection method: clinical testing. Allele origin: germline.

PreventionGenetics, part of Exact Sciences
Classification: Likely benign for CHD7-related condition. Last evaluated: 2024-11-13. Review status: criteria provided, single submitter. Criteria: ACMG Guidelines, 2015. Collection method: clinical testing. Allele origin: germline.
Comment: This variant is classified as likely benign based on ACMG/AMP sequence variant interpretation guidelines (Richards et al. 2015 PMID: 25741868, with internal and published modifications).

Ambry Genetics
Classification: Likely benign for Inborn genetic diseases. Last evaluated: 2022-08-29. Review status: criteria provided, single submitter. Criteria: Ambry Variant Classification Scheme 2023. Collection method: clinical testing. Allele origin: germline.

Blueprint Genetics
Classification: Likely benign. Last evaluated: 2021-12-13. Review status: criteria provided, single submitter. Criteria: ACMG Guidelines, 2015. Collection method: clinical testing. Allele origin: germline.

GeneDx
Classification: Likely benign. Last evaluated: 2021-11-12. Review status: criteria provided, single submitter. Criteria: GeneDx Variant Classification Process June 2021. Collection method: clinical testing. Allele origin: germline. Affected: yes.
Comment: See Variant Classification Assertion Criteria.

Fulgent Genetics
Classification: Likely benign for CHD7-related CHARGE syndrome; Hypogonadotropic hypogonadism 5 with or without anosmia. Last evaluated: 2021-11-08. Review status: criteria provided, single submitter. Criteria: ACMG Guidelines, 2015. Collection method: clinical testing. Allele origin: unknown.